The following is an entry in ClinVar:

NM_000214.3(JAG1):c.1656C>T (p.Pro552=)

Gene: JAG1 (jagged canonical Notch ligand 1; minus strand). Cytogenetic location: 20p12.2.
Variant type: single nucleotide variant.
Coding change: c.1656C>T on transcript NM_000214.3 (MANE Select); coding-DNA position 1656, C replaced by T.
Protein change: p.Pro552=; no amino-acid change (proline 552 retained).
Molecular consequence: synonymous variant.
Genome position (GRCh38, 1-based): chr20:10,648,024, G>A on the plus strand (C>T on the coding strand, the complement: JAG1 is on the minus strand). VCF-style: chr20-10648024-G-A. GRCh37 (hg19) VCF-style: chr20-10628672-G-A.
Identifiers: ClinVar variation 3054983 (VCV003054983.3), dbSNP rs371977432, ClinGen allele CA9764799.

ClinVar aggregate classification (germline): Likely benign. Review status: criteria provided, single submitter (1 of 4 stars). 2 submissions from 2 submitters: Likely benign (1). 1 of the submissions does not count toward it. Last evaluated 2026-01-24.

Conditions:
Cardiovascular phenotype. Identifiers: MedGen CN230736.
JAG1-related disorder. Also called: JAG1-related disorders; JAG1-related condition.

Allele frequency attached by ClinVar (database versions not stated): gnomAD 0.00001; TOPMed 0.00002; ESP Exome Variant Server 0.00008.
gnomAD v4.1: 17 of 1,614,002 alleles (0.0011%); highest among the groups gnomAD compares: East Asian, 0.011%; no homozygotes.

Submissions (2):

Ambry Genetics
Classification: Likely benign for Cardiovascular phenotype. Last evaluated: 2026-01-24. Review status: criteria provided, single submitter. Criteria: Ambry Variant Classification Scheme 2023. Collection method: clinical testing. Allele origin: germline.

PreventionGenetics, part of Exact Sciences
Classification: Likely benign for JAG1-related condition. Last evaluated: 2021-07-27. Review status: no assertion criteria provided. Collection method: clinical testing. Allele origin: germline. Not counted in ClinVar's aggregate classification.
Comment: This variant is classified as likely benign based on ACMG/AMP sequence variant interpretation guidelines (Richards et al. 2015 PMID: 25741868, with internal and published modifications).